The following is an entry in ClinVar:

ClinVar aggregate classification (germline): Uncertain significance (1 of 4 stars; one submission).

Conditions:
Immunodeficiency. Identifiers: MedGen C0021051, MONDO:0021094, HP:0002721.

Submission:

Labcorp Genetics (formerly Invitae), Labcorp
Classification: Uncertain significance for Immunodeficiency. Last evaluated: 2018-12-30. Review status: criteria provided, single submitter. Criteria: Invitae Variant Classification Sherloc (09022015). Collection method: clinical testing. Allele origin: germline.
Comment: This variant is not present in population databases (ExAC no frequency). In summary, the available evidence is currently insufficient to determine the role of this variant in disease. Therefore, it has been classified as a Variant of Uncertain Significance. Algorithms developed to predict the effect of missense changes on protein structure and function (SIFT, PolyPhen-2, Align-GVGD) all suggest that this variant is likely to be tolerated, but these predictions have not been confirmed by published functional studies and their clinical significance is uncertain. This variant has not been reported in the literature in individuals with NFAT5-related conditions. This sequence change replaces serine with alanine at codon 581 of the NFAT5 protein (p.Ser581Ala). The serine residue is weakly conserved and there is a moderate physicochemical difference between serine and alanine.

NM_138713.4(NFAT5):c.2023T>G (p.Ser675Ala)

Gene: NFAT5 (nuclear factor of activated T cells 5; plus strand). Cytogenetic location: 16q22.1.
Variant type: single nucleotide variant.
Coding change: c.2023T>G on transcript NM_138713.4 (MANE Select); coding-DNA position 2023, T replaced by G.
Protein change: p.Ser675Ala; replaces serine 675 with alanine.
Molecular consequence: missense variant.
Genome position (GRCh38, 1-based): chr16:69,691,848, T>G. VCF-style: chr16-69691848-T-G. GRCh37 (hg19) VCF-style: chr16-69725751-T-G.
Other names: c.2020T>G, p.Ser674Ala (NM_001113178.3); c.1348T>G, p.Ser450Ala (NM_001367709.1); c.1969T>G, p.Ser657Ala (NM_006599.4); c.1741T>G, p.Ser581Ala (NM_138714.4, NM_173214.3, NM_173215.3); c.2023T>G, p.Ser675Ala (LRG_1332t1); short protein forms S450A, S657A, S674A, S581A, S675A.
Identifiers: ClinVar variation 650281 (VCV000650281.8), dbSNP rs1597569091, ClinGen allele CA396507050.